The following is an entry in ClinVar:

ClinVar aggregate classification (germline): Uncertain significance (1 of 4 stars; one submission).

Submission:

Medical Genetic Center, Changzhi Maternal and Child Health Care Hospital
Classification: Uncertain significance. Last evaluated: 2025-12-10. Review status: criteria provided, single submitter. Criteria: ACMG/ClinGen CNV Guidelines, 2019. Collection method: clinical testing. Allele origin: unknown.

GRCh38/hg38 11p13(chr11:34201364-35702515)x3

Genes: ABTB2 (ankyrin repeat and BTB domain containing 2; minus strand), APIP (APAF1 interacting protein; minus strand), CAT (catalase; plus strand), CD44 (CD44 molecule (IN blood group); plus strand), CD44-AS1 (CD44 antisense RNA 1; minus strand) and 64 more. Cytogenetic location: 11p13.
Variant type: copy number gain.
Change: copy number 3 (three copies instead of two) of chr11:34,201,364-35,702,515 (1.50 Mb, GRCh38 coordinates, 1-based), cytogenetic band 11p13.
Identifiers: ClinVar variation 4796081 (VCV004796081.1).